The following is an entry in ClinVar:

ClinVar aggregate classification (germline): Uncertain significance. Review status: criteria provided, multiple submitters, no conflicts (2 of 4 stars). 3 submissions from 3 submitters: Uncertain significance (3). Last evaluated 2024-10-15.

Conditions:
Purine-nucleoside phosphorylase deficiency. Also called: NUCLEOSIDE PHOSPHORYLASE DEFICIENCY; Immunodeficiency due to purine nucleoside phosphorylase deficiency. Identifiers: Orphanet 760, MedGen C0268125, MONDO:0013171, OMIM 613179.

Allele frequency attached by ClinVar (database versions not stated): gnomAD 0.00001 and 0.00002; gnomAD exomes 0.00001 and 0.00003; TOPMed 0.00001; ExAC 0.00002.
gnomAD v4.1: 44 of 1,613,998 alleles (0.0027%); highest among the groups gnomAD compares: South Asian, 0.0066%; no homozygotes.

Submissions (3):

Labcorp Genetics (formerly Invitae), Labcorp
Classification: Uncertain significance for Purine-nucleoside phosphorylase deficiency. Last evaluated: 2024-10-15. Review status: criteria provided, single submitter. Criteria: Invitae Variant Classification Sherloc (09022015). Collection method: clinical testing. Allele origin: germline.
Comment: This sequence change replaces arginine, which is basic and polar, with glutamine, which is neutral and polar, at codon 229 of the PNP protein (p.Arg229Gln). This variant is present in population databases (rs748196799, gnomAD 0.006%). This variant has not been reported in the literature in individuals affected with PNP-related conditions. ClinVar contains an entry for this variant (Variation ID: 881207). Invitae Evidence Modeling of protein sequence and biophysical properties (such as structural, functional, and spatial information, amino acid conservation, physicochemical variation, residue mobility, and thermodynamic stability) indicates that this missense variant is not expected to disrupt PNP protein function with a negative predictive value of 80%. Experimental studies have shown that this missense change affects PNP function (PMID: 19759001). In summary, the available evidence is currently insufficient to determine the role of this variant in disease. Therefore, it has been classified as a Variant of Uncertain Significance.

Blueprint Genetics
Classification: Uncertain significance. Last evaluated: 2024-07-02. Review status: criteria provided, single submitter. Criteria: ACMG Guidelines, 2015. Collection method: clinical testing. Allele origin: germline.

Illumina Laboratory Services, Illumina
Classification: Uncertain significance for Purine-nucleoside phosphorylase deficiency. Last evaluated: 2017-04-27. Review status: criteria provided, single submitter. Criteria: ICSL Variant Classification Criteria 13 December 2019. Collection method: clinical testing. Allele origin: germline.
Comment: This variant was observed as part of a predisposition screen in an ostensibly healthy population. A literature search was performed for the gene, cDNA change, and amino acid change (where applicable). Publications were found based on this search. However, the evidence from the literature, in combination with allele frequency data from public databases where available, was not sufficient to rule this variant in or out of causing disease. Therefore, this variant is classified as a variant of unknown significance.

Literature cited by the submitters: PubMed 19759001 (cited by Labcorp Genetics (formerly Invitae), Labcorp and Illumina Laboratory Services, Illumina).

NM_000270.4(PNP):c.686G>A (p.Arg229Gln)

Gene: PNP (purine nucleoside phosphorylase; plus strand). Cytogenetic location: 14q11.2.
Variant type: single nucleotide variant.
Coding change: c.686G>A on transcript NM_000270.4 (MANE Select); coding-DNA position 686, G replaced by A.
Protein change: p.Arg229Gln; replaces arginine 229 with glutamine.
Molecular consequence: missense variant.
Genome position (GRCh38, 1-based): chr14:20,476,417, G>A. VCF-style: chr14-20476417-G-A. GRCh37 (hg19) VCF-style: chr14-20944576-G-A.
Other names: short protein forms R229Q.
Identifiers: ClinVar variation 881207 (VCV000881207.6), dbSNP rs748196799, ClinGen allele CA7082210.